The following is an entry in ClinVar:

NM_173543.3(DZIP1L):c.698G>A (p.Arg233Gln)

Gene: DZIP1L (DAZ interacting zinc finger protein 1 like; minus strand). Cytogenetic location: 3q22.3.
Variant type: single nucleotide variant.
Coding change: c.698G>A on transcript NM_173543.3 (MANE Select); coding-DNA position 698, G replaced by A.
Protein change: p.Arg233Gln; replaces arginine 233 with glutamine.
Molecular consequence: missense variant.
Genome position (GRCh38, 1-based): chr3:138,094,872, C>T on the plus strand (G>A on the coding strand, the complement: DZIP1L is on the minus strand). VCF-style: chr3-138094872-C-T. GRCh37 (hg19) VCF-style: chr3-137813714-C-T.
Other names: c.698G>A, p.Arg233Gln (NM_001170538.1); c.698G>A (NM_173543.2); short protein forms R233Q.
Identifiers: ClinVar variation 1985966 (VCV001985966.5), dbSNP rs748555938, ClinGen allele CA2635190.

ClinVar aggregate classification (germline): Uncertain significance. Review status: criteria provided, multiple submitters, no conflicts (2 of 4 stars). 2 submissions from 2 submitters: Uncertain significance (2). Last evaluated 2025-08-05.

Conditions:
Inborn genetic diseases. Identifiers: MedGen C0950123, MeSH D030342.

Allele frequency attached by ClinVar (database versions not stated): TOPMed 0.00001; ExAC 0.00002.
gnomAD v4.1: 18 of 1,614,228 alleles (0.0011%); highest among the groups gnomAD compares: South Asian, 0.0022%; no homozygotes.

Submissions (2):

Ambry Genetics
Classification: Uncertain significance for Inborn genetic diseases. Last evaluated: 2025-08-05. Review status: criteria provided, single submitter. Criteria: Ambry Variant Classification Scheme 2023. Collection method: clinical testing. Allele origin: germline.

Labcorp Genetics (formerly Invitae), Labcorp
Classification: Uncertain significance. Last evaluated: 2024-11-04. Review status: criteria provided, single submitter. Criteria: Invitae Variant Classification Sherloc (09022015). Collection method: clinical testing. Allele origin: germline.
Comment: This sequence change replaces arginine, which is basic and polar, with glutamine, which is neutral and polar, at codon 233 of the DZIP1L protein (p.Arg233Gln). This variant is present in population databases (rs748555938, gnomAD 0.003%). This variant has not been reported in the literature in individuals affected with DZIP1L-related conditions. ClinVar contains an entry for this variant (Variation ID: 1985966). An algorithm developed to predict the effect of missense changes on protein structure and function outputs the following: PolyPhen-2: "Possibly Damaging". The glutamine amino acid residue is found in multiple mammalian species, which suggests that this missense change does not adversely affect protein function. In summary, the available evidence is currently insufficient to determine the role of this variant in disease. Therefore, it has been classified as a Variant of Uncertain Significance.